The following is an entry in ClinVar:

NM_000263.4(NAGLU):c.203GCG[5] (p.Gly71dup)

Genes: NAGLU (N-acetyl-alpha-glucosaminidase; plus strand), LOC130060903 (ATAC-STARR-seq lymphoblastoid silent region 8533; plus strand). Cytogenetic location: 17q21.2.
Variant type: Microsatellite.
Coding change: c.203GCG[5] on transcript NM_000263.4 (MANE Select); five copies in a row of the 3-base unit GCG starting at c.203; the reference has four copies in a row; one copy, 3 bases duplicated.
Protein change: p.Gly71dup; duplicates glycine 71.
Molecular consequence: inframe insertion.
Genome position (GRCh38, 1-based): chr17:42,536,484-42,536,486, GCG duplicated; duplicating any 3 consecutive bases within chr17:42,536,474-42,536,486 gives the same sequence; the position shown is the placement nearest the transcript's 3' end. VCF-style (leftmost placement, unchanged base first): chr17-42536473-G-GGGC. GRCh37 (hg19) VCF-style: chr17-40688491-G-GGGC.
Identifiers: ClinVar variation 557851 (VCV000557851.7), dbSNP rs1186888836, ClinGen allele CA658823943.

ClinVar aggregate classification (germline): Uncertain significance. Review status: criteria provided, single submitter (1 of 4 stars). 2 submissions from 2 submitters: Uncertain significance (1). 1 of the submissions does not count toward it. Last evaluated 2022-06-10.

Conditions:
Mucopolysaccharidosis, MPS-III-B (MPS3B). Also called: MPS III B; MUCOPOLYSACCHARIDOSIS, TYPE IIIB; N-ACETYL-ALPHA-D-GLUCOSAMINIDASE DEFICIENCY; NAGLU DEFICIENCY; SANFILIPPO SYNDROME B; Mucopolysaccharidosis type IIIB (Sanfilippo B). Identifiers: Orphanet 79270, MedGen C0086648, MONDO:0009656, OMIM 252920.
Charcot-Marie-Tooth disease axonal type 2V. Also called: CHARCOT-MARIE-TOOTH NEUROPATHY, TYPE 2V; CHARCOT-MARIE-TOOTH DISEASE, AXONAL, AUTOSOMAL DOMINANT, TYPE 2V. Identifiers: Orphanet 447964, MedGen C5569050, MONDO:0014665, OMIM 616491.

Submissions (2):

Labcorp Genetics (formerly Invitae), Labcorp
Classification: Uncertain significance for Charcot-Marie-Tooth disease axonal type 2V; Mucopolysaccharidosis, MPS-III-B. Last evaluated: 2022-06-10. Review status: criteria provided, single submitter. Criteria: Invitae Variant Classification Sherloc (09022015). Collection method: clinical testing. Allele origin: germline.
Comment: This variant, c.212_214dup, results in the insertion of 1 amino acid(s) of the NAGLU protein (p.Gly71dup), but otherwise preserves the integrity of the reading frame. This variant is not present in population databases (gnomAD no frequency). This variant has not been reported in the literature in individuals affected with NAGLU-related conditions. Experimental studies and prediction algorithms are not available or were not evaluated, and the functional significance of this variant is currently unknown. In summary, the available evidence is currently insufficient to determine the role of this variant in disease. Therefore, it has been classified as a Variant of Uncertain Significance.

Counsyl
Classification: Uncertain significance for Mucopolysaccharidosis, MPS-III-B. Last evaluated: 2018-04-10. Review status: no assertion criteria provided. Collection method: clinical testing. Allele origin: unknown. Not counted in ClinVar's aggregate classification.